The following is an entry in ClinVar:

NM_001122955.4(BSCL2):c.252G>C (p.Leu84Phe)

Genes: BSCL2 (BSCL2 lipid droplet biogenesis associated, seipin; minus strand), HNRNPUL2-BSCL2 (HNRNPUL2-BSCL2 readthrough (NMD candidate); minus strand). Cytogenetic location: 11q12.3.
Variant type: single nucleotide variant.
Coding change: c.252G>C on transcript NM_001122955.4 (MANE Select); coding-DNA position 252, G replaced by C.
Protein change: p.Leu84Phe; replaces leucine 84 with phenylalanine.
Molecular consequence: missense variant. On other transcripts: non-coding transcript variant (1).
Genome position (GRCh38, 1-based): chr11:62,705,453, C>G on the plus strand (G>C on the coding strand, the complement: BSCL2 is on the minus strand). VCF-style: chr11-62705453-C-G. GRCh37 (hg19) VCF-style: chr11-62472925-C-G.
Other names: c.60G>C, p.Leu20Phe (NM_001130702.2, NM_032667.6); c.252G>C, p.Leu84Phe (NM_001386027.1, NM_001386028.1); short protein forms L20F, L84F.
Identifiers: ClinVar variation 4057078 (VCV004057078.1).

ClinVar aggregate classification (germline): Uncertain significance (1 of 4 stars; one submission).

Submission:

GeneDx
Classification: Uncertain significance. Last evaluated: 2025-01-12. Review status: criteria provided, single submitter. Criteria: GeneDx Variant Classification Process June 2021. Collection method: clinical testing. Allele origin: germline. Affected: yes.
Comment: Not observed at significant frequency in large population cohorts (gnomAD); In silico analysis supports that this missense variant has a deleterious effect on protein structure/function; Has not been previously published as pathogenic or benign to our knowledge